The following is an entry in ClinVar:

NM_001367624.2(ZNF469):c.11671C>G (p.Leu3891Val)

Gene: ZNF469 (zinc finger protein 469; plus strand). Cytogenetic location: 16q24.2.
Variant type: single nucleotide variant.
Coding change: c.11671C>G on transcript NM_001367624.2 (MANE Select); coding-DNA position 11671, C replaced by G.
Protein change: p.Leu3891Val; replaces leucine 3891 with valine.
Molecular consequence: missense variant.
Genome position (GRCh38, 1-based): chr16:88,439,141, C>G. VCF-style: chr16-88439141-C-G. GRCh37 (hg19) VCF-style: chr16-88505549-C-G.
Other names: NM_001127464.1:c.11587C>G; short protein forms L3891V.
Identifiers: ClinVar variation 1696196 (VCV001696196.4), dbSNP rs1419259989, ClinGen allele CA397130921.

ClinVar aggregate classification (germline): Uncertain significance. Review status: criteria provided, multiple submitters, no conflicts (2 of 4 stars). 3 submissions from 3 submitters: Uncertain significance (3). Last evaluated 2023-10-12.

Conditions:
Cardiovascular phenotype. Identifiers: MedGen CN230736.

Allele frequency attached by ClinVar (database versions not stated): gnomAD exomes below 0.00001.
gnomAD v4.1: 1 of 1,550,772 alleles (0.000064%); highest among the groups gnomAD compares: Non-Finnish European, 0.000087%; no homozygotes.

Submissions (3):

Ambry Genetics
Classification: Uncertain significance for Cardiovascular phenotype. Last evaluated: 2023-10-12. Review status: criteria provided, single submitter. Criteria: Ambry Variant Classification Scheme 2023. Collection method: clinical testing. Allele origin: germline.
Comment: The p.L3863V variant (also known as c.11587C>G), located in coding exon 2 of the ZNF469 gene, results from a C to G substitution at nucleotide position 11587. The leucine at codon 3863 is replaced by valine, an amino acid with highly similar properties. This amino acid position is conserved. In addition, this alteration is predicted to be tolerated by in silico analysis. Since supporting evidence is limited at this time, the clinical significance of this alteration remains unclear.

Women's Health and Genetics/Laboratory Corporation of America, LabCorp
Classification: Uncertain significance. Last evaluated: 2022-05-03. Review status: criteria provided, single submitter. Criteria: LabCorp Variant Classification Summary - May 2015. Collection method: clinical testing. Allele origin: germline.

Labcorp Genetics (formerly Invitae), Labcorp
Classification: Uncertain significance. Last evaluated: 2021-12-24. Review status: criteria provided, single submitter. Criteria: Invitae Variant Classification Sherloc (09022015). Collection method: clinical testing. Allele origin: germline.
Comment: This sequence change replaces leucine, which is neutral and non-polar, with valine, which is neutral and non-polar, at codon 3863 of the ZNF469 protein (p.Leu3863Val). This variant is not present in population databases (gnomAD no frequency). This variant has not been reported in the literature in individuals affected with ZNF469-related conditions. Algorithms developed to predict the effect of missense changes on protein structure and function (SIFT, PolyPhen-2, Align-GVGD) all suggest that this variant is likely to be tolerated. In summary, the available evidence is currently insufficient to determine the role of this variant in disease. Therefore, it has been classified as a Variant of Uncertain Significance.